The following is an entry in ClinVar:

NC_000001.10:g.(?_109756539)_(109756751_109766599)dup

Gene: SARS1 (seryl-tRNA synthetase 1; plus strand). Cytogenetic location: 1p13.3.
Variant type: Duplication.
Identifiers: ClinVar variation 3629631 (VCV003629631.1).

ClinVar aggregate classification (germline): Uncertain significance (1 of 4 stars; one submission).

Submission:

Women's Health and Genetics/Laboratory Corporation of America, LabCorp
Classification: Uncertain significance. Last evaluated: 2024-11-14. Review status: criteria provided, single submitter. Criteria: LabCorp Variant Classification Summary - May 2015. Collection method: clinical testing. Allele origin: germline.
Comment: Variant summary: The variant involves the duplication of exon 1 in the SARS1 gene. The exact breakpoint at the 5' end of this variant is unknown, therefore this duplication may extend upstream of the annotated region of this gene. It is predicted to duplicate a segment including the initiation codon, therefore its impact on the encoded protein is unknown. A presumed nomenclature of c.(?_-76)_(136+1_137-1)dup has been designated for the purposes of this classification. The variant allele was found at a frequency of 0.0011 in 21694 control chromosomes (gnomAD). This frequency is not significantly higher than estimated for a pathogenic variant in SARS1 causing Neurodevelopmental Disorder With Microcephaly, Ataxia, And Seizures, allowing no conclusion about variant significance. To our knowledge, no occurrence of c.(?_-76)_(136+1_137-1)dup in individuals affected with Neurodevelopmental Disorder With Microcephaly, Ataxia, And Seizures and no experimental evidence demonstrating its impact on protein function have been reported. No submitters have cited clinical-significance assessments for this variant to ClinVar. Based on the evidence outlined above, the variant was classified as uncertain significance.